The following is an entry in ClinVar:

NM_182641.4(BPTF):c.206G>A (p.Gly69Glu)

Gene: BPTF (bromodomain PHD finger transcription factor; plus strand). Cytogenetic location: 17q24.2.
Variant type: single nucleotide variant.
Coding change: c.206G>A on transcript NM_182641.4 (MANE Select); coding-DNA position 206, G replaced by A.
Protein change: p.Gly69Glu; replaces glycine 69 with glutamic acid.
Molecular consequence: missense variant.
Genome position (GRCh38, 1-based): chr17:67,825,930, G>A. VCF-style: chr17-67825930-G-A. GRCh37 (hg19) VCF-style: chr17-65822046-G-A.
Other names: c.206G>A, p.Gly69Glu (NM_004459.7); short protein forms G69E.
Identifiers: ClinVar variation 2634841 (VCV002634841.3), dbSNP rs1244643578, ClinGen allele CA400715479.

ClinVar aggregate classification (germline): Uncertain significance. Review status: criteria provided, multiple submitters, no conflicts (2 of 4 stars). 3 submissions from 3 submitters: Uncertain significance (3). Last evaluated 2025-08-01.

Conditions:
Inborn genetic diseases. Identifiers: MedGen C0950123, MeSH D030342.
BPTF-related disorder. Also called: BPTF-related condition.

gnomAD v4.1: 31 of 1,015,616 alleles (0.0031%); highest among the groups gnomAD compares: South Asian, 0.0089%; no homozygotes.

Submissions (3):

Labcorp Genetics (formerly Invitae), Labcorp
Classification: Uncertain significance. Last evaluated: 2025-08-01. Review status: criteria provided, single submitter. Criteria: Invitae Variant Classification Sherloc (09022015). Collection method: clinical testing. Allele origin: germline.
Comment: This sequence change replaces glycine, which is neutral and non-polar, with glutamic acid, which is acidic and polar, at codon 69 of the BPTF protein (p.Gly69Glu). The frequency data for this variant in the population databases is considered unreliable, as metrics indicate insufficient coverage at this position in the gnomAD database. This variant has not been reported in the literature in individuals affected with BPTF-related conditions. ClinVar contains an entry for this variant (Variation ID: 2634841). Experimental studies and prediction algorithms are not available or were not evaluated, and the functional significance of this variant is currently unknown. In summary, the available evidence is currently insufficient to determine the role of this variant in disease. Therefore, it has been classified as a Variant of Uncertain Significance.

Ambry Genetics
Classification: Uncertain significance for Inborn genetic diseases. Last evaluated: 2025-05-13. Review status: criteria provided, single submitter. Criteria: Ambry Variant Classification Scheme 2023. Collection method: clinical testing. Allele origin: germline.

PreventionGenetics, part of Exact Sciences
Classification: Uncertain significance for BPTF-related condition. Last evaluated: 2022-10-30. Review status: criteria provided, single submitter. Criteria: ACMG Guidelines, 2015. Collection method: clinical testing. Allele origin: germline.
Comment: The BPTF c.206G>A variant is predicted to result in the amino acid substitution p.Gly69Glu. To our knowledge, this variant has not been reported in the literature or in a large population database, indicating this variant is rare. At this time, the clinical significance of this variant is uncertain due to the absence of conclusive functional and genetic evidence.